The following is an entry in ClinVar:

ClinVar aggregate classification (germline): Uncertain significance. Review status: criteria provided, multiple submitters, no conflicts (2 of 4 stars). 2 submissions from 2 submitters: Uncertain significance (2). Last evaluated 2025-10-15.

Conditions:
Dilated cardiomyopathy 1J (CMD1J). Also called: CARDIOMYOPATHY, DILATED, WITH SENSORINEURAL HEARING LOSS, AUTOSOMAL DOMINANT. Identifiers: Orphanet 217622, MedGen C1854368, MONDO:0011541, OMIM 605362.
Cardiovascular phenotype. Identifiers: MedGen CN230736.

Submissions (2):

Labcorp Genetics (formerly Invitae), Labcorp
Classification: Uncertain significance for Dilated cardiomyopathy 1J. Last evaluated: 2025-10-15. Review status: criteria provided, single submitter. Criteria: Invitae Variant Classification Sherloc (09022015). Collection method: clinical testing. Allele origin: germline.
Comment: This sequence change replaces asparagine, which is neutral and polar, with serine, which is neutral and polar, at codon 442 of the EYA4 protein (p.Asn442Ser). This variant is not present in population databases (gnomAD no frequency). This variant has not been reported in the literature in individuals affected with EYA4-related conditions. ClinVar contains an entry for this variant (Variation ID: 3846931). Invitae Evidence Modeling of protein sequence and biophysical properties (such as structural, functional, and spatial information, amino acid conservation, physicochemical variation, residue mobility, and thermodynamic stability) indicates that this missense variant is not expected to disrupt EYA4 protein function with a negative predictive value of 80%. In summary, the available evidence is currently insufficient to determine the role of this variant in disease. Therefore, it has been classified as a Variant of Uncertain Significance.

Ambry Genetics
Classification: Uncertain significance for Cardiovascular phenotype. Last evaluated: 2024-12-29. Review status: criteria provided, single submitter. Criteria: Ambry Variant Classification Scheme 2023. Collection method: clinical testing. Allele origin: germline.
Comment: The p.N442S variant (also known as c.1325A>G), located in coding exon 14 of the EYA4 gene, results from an A to G substitution at nucleotide position 1325. The asparagine at codon 442 is replaced by serine, an amino acid with highly similar properties. This amino acid position is conserved. In addition, this alteration is predicted to be tolerated by in silico analysis. Based on the available evidence, the clinical significance of this variant remains unclear.

NM_004100.5(EYA4):c.1325A>G (p.Asn442Ser)

Genes: TARID (TCF21 antisense RNA inducing promoter demethylation; minus strand), EYA4 (EYA transcriptional coactivator and phosphatase 4; plus strand). Cytogenetic location: 6q23.2.
Variant type: single nucleotide variant.
Coding change: c.1325A>G on transcript NM_004100.5 (MANE Select); coding-DNA position 1325, A replaced by G.
Protein change: p.Asn442Ser; replaces asparagine 442 with serine.
Molecular consequence: missense variant.
Genome position (GRCh38, 1-based): chr6:133,512,764, A>G. VCF-style: chr6-133512764-A-G. GRCh37 (hg19) VCF-style: chr6-133833902-A-G.
Other names: c.1163A>G, p.Asn388Ser (NM_001301012.2); c.1343A>G, p.Asn448Ser (NM_001301013.2); c.1256A>G, p.Asn419Ser (NM_001370458.1, NM_172103.4); c.1181A>G, p.Asn394Ser (NM_001370459.1); c.1325A>G, p.Asn442Ser (NM_172105.4); short protein forms N419S, N448S, N442S, N388S, N394S.
Identifiers: ClinVar variation 3846931 (VCV003846931.2).